The following is an entry in ClinVar:

NM_000834.5(GRIN2B):c.637G>C (p.Asp213His)

Gene: GRIN2B (glutamate ionotropic receptor NMDA type subunit 2B; minus strand). Cytogenetic location: 12p13.1.
Variant type: single nucleotide variant.
Coding change: c.637G>C on transcript NM_000834.5 (MANE Select); coding-DNA position 637, G replaced by C.
Protein change: p.Asp213His; replaces aspartic acid 213 with histidine.
Molecular consequence: missense variant.
Genome position (GRCh38, 1-based): chr12:13,753,690, C>G on the plus strand (G>C on the coding strand, the complement: GRIN2B is on the minus strand). VCF-style: chr12-13753690-C-G. GRCh37 (hg19) VCF-style: chr12-13906624-C-G.
Other names: c.637G>C, p.Asp213His (NM_001413992.1, NM_001413993.1, NM_001413994.1 and 1 more transcripts); short protein forms D213H.
Identifiers: ClinVar variation 3903042 (VCV003903042.1).

ClinVar aggregate classification (germline): Uncertain significance (1 of 4 stars; one submission).

Submission:

GeneDx
Classification: Uncertain significance. Last evaluated: 2024-12-16. Review status: criteria provided, single submitter. Criteria: GeneDx Variant Classification Process June 2021. Collection method: clinical testing. Allele origin: germline. Affected: yes.
Comment: Not observed at significant frequency in large population cohorts (gnomAD); In silico analysis supports that this missense variant has a deleterious effect on protein structure/function; Has not been previously published as pathogenic or benign to our knowledge